The following is an entry in ClinVar:

NM_002693.3(POLG):c.1991G>A (p.Gly664Glu)

Gene: POLG (DNA polymerase gamma, catalytic subunit; minus strand). Cytogenetic location: 15q26.1.
Variant type: single nucleotide variant.
Coding change: c.1991G>A on transcript NM_002693.3 (MANE Select); coding-DNA position 1991, G replaced by A.
Protein change: p.Gly664Glu; replaces glycine 664 with glutamic acid.
Molecular consequence: missense variant.
Genome position (GRCh38, 1-based): chr15:89,324,186, C>T on the plus strand (G>A on the coding strand, the complement: POLG is on the minus strand). VCF-style: chr15-89324186-C-T. GRCh37 (hg19) VCF-style: chr15-89867417-C-T.
Other names: c.1991G>A, p.Gly664Glu (NM_001126131.2); short protein forms G664E.
Identifiers: ClinVar variation 497733 (VCV000497733.21), dbSNP rs773073959, ClinGen allele CA7724625.

ClinVar aggregate classification (germline): Uncertain significance. Review status: criteria provided, multiple submitters, no conflicts (2 of 4 stars). 5 submissions from 5 submitters: Uncertain significance (4). 1 of the submissions does not count toward it. Last evaluated 2025-10-01.

Conditions:
Inborn genetic diseases. Identifiers: MedGen C0950123, MeSH D030342.
POLG-related disorder. Also called: POLG-related condition; POLG-Related Disorders; POLG-Related Spectrum Disorders. Identifiers: MedGen C4763519.
Progressive sclerosing poliodystrophy (MTDPS4A). Also called: Alpers Syndrome; ALPERS DIFFUSE DEGENERATION OF CEREBRAL GRAY MATTER WITH HEPATIC CIRRHOSIS; Alpers-Huttenlocher Syndrome; ALPERS PROGRESSIVE INFANTILE POLIODYSTROPHY; NEURONAL DEGENERATION OF CHILDHOOD WITH LIVER DISEASE, PROGRESSIVE; Mitochondrial DNA depletion syndrome 4A (Alpers type). Identifiers: Orphanet 726, MedGen C0205710, MONDO:0008758, OMIM 203700.

Allele frequency attached by ClinVar (database versions not stated): ExAC 0.00002.
gnomAD v4.1: 18 of 1,613,724 alleles (0.0011%); highest among the groups gnomAD compares: Admixed American, 0.025%; no homozygotes.

Submissions (5):

Labcorp Genetics (formerly Invitae), Labcorp
Classification: Uncertain significance for Progressive sclerosing poliodystrophy. Last evaluated: 2025-10-01. Review status: criteria provided, single submitter. Criteria: Invitae Variant Classification Sherloc (09022015). Collection method: clinical testing. Allele origin: germline.
Comment: This sequence change replaces glycine, which is neutral and non-polar, with glutamic acid, which is acidic and polar, at codon 664 of the POLG protein (p.Gly664Glu). This variant is present in population databases (rs773073959, gnomAD 0.04%). This variant has not been reported in the literature in individuals affected with POLG-related conditions. ClinVar contains an entry for this variant (Variation ID: 497733). Invitae Evidence Modeling of protein sequence and biophysical properties (such as structural, functional, and spatial information, amino acid conservation, physicochemical variation, residue mobility, and thermodynamic stability) has been performed for this missense variant. However, the output from this modeling did not meet the statistical confidence thresholds required to predict the impact of this variant on POLG protein function. In summary, the available evidence is currently insufficient to determine the role of this variant in disease. Therefore, it has been classified as a Variant of Uncertain Significance.

GeneDx
Classification: Uncertain significance. Last evaluated: 2022-11-29. Review status: criteria provided, single submitter. Criteria: GeneDx Variant Classification Process June 2021. Collection method: clinical testing. Allele origin: germline. Affected: yes.
Comment: In silico analysis supports that this missense variant does not alter protein structure/function; Has not been previously published as pathogenic or benign to our knowledge

Eurofins Ntd Llc (ga)
Classification: Uncertain significance. Last evaluated: 2017-12-05. Review status: criteria provided, single submitter. Criteria: EGL Classification Definitions 2015. Collection method: clinical testing. Allele origin: germline. Observed: 3 variant alleles, 3 heterozygotes.

Ambry Genetics
Classification: Uncertain significance for Inborn genetic diseases. Last evaluated: 2016-10-31. Review status: criteria provided, single submitter. Criteria: Ambry Variant Classification Scheme 2023. Collection method: clinical testing. Allele origin: germline.
Comment: The p.G664E variant (also known as c.1991G>A), located in coding exon 10 of the POLG gene, results from a G to A substitution at nucleotide position 1991. The glycine at codon 664 is replaced by glutamic acid, an amino acid with similar properties. This variant was not reported in population based cohorts in the following databases: Database of Single Nucleotide Polymorphisms (dbSNP), NHLBI Exome Sequencing Project (ESP), and 1000 Genomes Project. In the ESP, this variant was not observed in 6499 samples (12998 alleles) with coverage at this position. This amino acid position is not well conserved in available vertebrate species. In addition, the in silico prediction for this alteration is inconclusive. Since supporting evidence is limited at this time, the clinical significance of this alteration remains unclear.

PreventionGenetics, part of Exact Sciences
Classification: Uncertain significance for POLG-related condition. Last evaluated: 2024-05-01. Review status: no assertion criteria provided. Collection method: clinical testing. Allele origin: germline. Not counted in ClinVar's aggregate classification.
Comment: The POLG c.1991G>A variant is predicted to result in the amino acid substitution p.Gly664Glu. To our knowledge, this variant has not been reported in the literature. This variant is reported in 0.038% of alleles in individuals of Latino descent in gnomAD. At this time, the clinical significance of this variant is uncertain due to the absence of conclusive functional and genetic evidence.